The following is an entry in ClinVar:

ClinVar aggregate classification (germline): Uncertain significance (1 of 4 stars; one submission).

Submission:

Ambry Genetics
Classification: Uncertain significance. Last evaluated: 2022-11-10. Review status: criteria provided, single submitter. Criteria: Ambry Variant Classification Scheme 2023. Collection method: clinical testing. Allele origin: germline.
Comment: The p.S875P variant (also known as c.2623T>C), located in coding exon 1 of the MLH3 gene, results from a T to C substitution at nucleotide position 2623. The serine at codon 875 is replaced by proline, an amino acid with similar properties. This amino acid position is conserved. In addition, the in silico prediction for this alteration is inconclusive. Since supporting evidence is limited at this time, the clinical significance of this alteration remains unclear.

NM_001040108.2(MLH3):c.2623T>C (p.Ser875Pro)

Gene: MLH3 (mutL homolog 3; minus strand). Cytogenetic location: 14q24.3.
Variant type: single nucleotide variant.
Coding change: c.2623T>C on transcript NM_001040108.2 (MANE Select); coding-DNA position 2623, T replaced by C.
Protein change: p.Ser875Pro; replaces serine 875 with proline.
Molecular consequence: missense variant.
Genome position (GRCh38, 1-based): chr14:75,047,033, A>G on the plus strand (T>C on the coding strand, the complement: MLH3 is on the minus strand). VCF-style: chr14-75047033-A-G. GRCh37 (hg19) VCF-style: chr14-75513736-A-G.
Other names: c.2623T>C, p.Ser875Pro (NM_014381.3); short protein forms S875P.
Identifiers: ClinVar variation 2448599 (VCV002448599.2), dbSNP rs2139559201, ClinGen allele CA390439382.